The following is an entry in ClinVar:

ClinVar aggregate classification (germline): Uncertain significance. Review status: criteria provided, multiple submitters, no conflicts (2 of 4 stars). 6 submissions from 6 submitters: Uncertain significance (6). Last evaluated 2024-10-02.

Conditions:
Hearing impairment. Also called: Impaired Hearing. Identifiers: MedGen C1384666, MONDO:0005365, HP:0000365.

Allele frequency attached by ClinVar (database versions not stated): gnomAD 0.00008 and 0.00009; TOPMed 0.00009; gnomAD exomes 0.00016; ESP Exome Variant Server 0.00023; ExAC 0.00024.
gnomAD v4.1: 134 of 1,584,004 alleles (0.0085%); highest among the groups gnomAD compares: East Asian, 0.02%; no homozygotes.

Submissions (6):

Blueprint Genetics
Classification: Uncertain significance. Last evaluated: 2024-10-02. Review status: criteria provided, single submitter. Criteria: ACMG Guidelines, 2015. Collection method: clinical testing. Allele origin: germline.

Labcorp Genetics (formerly Invitae), Labcorp
Classification: Uncertain significance. Last evaluated: 2023-07-14. Review status: criteria provided, single submitter. Criteria: Invitae Variant Classification Sherloc (09022015). Collection method: clinical testing. Allele origin: germline.
Comment: In summary, the available evidence is currently insufficient to determine the role of this variant in disease. Therefore, it has been classified as a Variant of Uncertain Significance. An algorithm developed to predict the effect of missense changes on protein structure and function (PolyPhen-2) suggests that this variant is likely to be disruptive. ClinVar contains an entry for this variant (Variation ID: 1065107). This variant has not been reported in the literature in individuals affected with ESRRB-related conditions. This variant is present in population databases (rs143118664, gnomAD 0.1%). This sequence change replaces arginine, which is basic and polar, with tryptophan, which is neutral and slightly polar, at codon 322 of the ESRRB protein (p.Arg322Trp).

Ambry Genetics
Classification: Uncertain significance. Last evaluated: 2022-03-30. Review status: criteria provided, single submitter. Criteria: Ambry Variant Classification Scheme 2023. Collection method: clinical testing. Allele origin: germline.

GeneDx
Classification: Uncertain significance. Last evaluated: 2022-03-15. Review status: criteria provided, single submitter. Criteria: GeneDx Variant Classification Process June 2021. Collection method: clinical testing. Allele origin: germline. Affected: yes.
Comment: In silico analysis supports that this missense variant has a deleterious effect on protein structure/function; Has not been previously published as pathogenic or benign to our knowledge

Department of Otolaryngology – Head & Neck Surgery, Cochlear Implant Center
Classification: Uncertain significance for Hearing impairment. Last evaluated: 2021-04-12. Review status: criteria provided, single submitter. Criteria: ClinGen HL ACMG Specifications v1. Collection method: clinical testing. Allele origin: germline. Affected: yes.
Comment: PM2_Moderate, PP3_Supporting

Breakthrough Genomics
Classification: Uncertain significance. Review status: criteria provided, single submitter. Criteria: ACMG Guidelines, 2015. Collection method: not provided. Allele origin: germline. Inheritance: Autosomal recessive inheritance. Affected: yes.

NM_001379180.1(ESRRB):c.1027C>T (p.Arg343Trp)

Gene: ESRRB (estrogen related receptor beta; plus strand). Cytogenetic location: 14q24.3.
Variant type: single nucleotide variant.
Coding change: c.1027C>T on transcript NM_001379180.1 (MANE Select); coding-DNA position 1027, C replaced by T.
Protein change: p.Arg343Trp; replaces arginine 343 with tryptophan.
Molecular consequence: missense variant.
Genome position (GRCh38, 1-based): chr14:76,491,623, C>T. VCF-style: chr14-76491623-C-T. GRCh37 (hg19) VCF-style: chr14-76957966-C-T.
Other names: c.964C>T, p.Arg322Trp (NM_004452.4); short protein forms R322W, R343W.
Identifiers: ClinVar variation 1065107 (VCV001065107.11), dbSNP rs143118664, ClinGen allele CA7281745.